The following is an entry in ClinVar:

NM_002941.4(ROBO1):c.2929del (p.Ala977fs)

Gene: ROBO1 (roundabout guidance receptor 1; minus strand). Cytogenetic location: 3p12.3.
Variant type: Deletion.
Coding change: c.2929del on transcript NM_002941.4 (MANE Select); coding-DNA position 2929, one base deleted (G; older notation c.2929delG).
Protein change: p.Ala977fs; shifts the reading frame from alanine 977.
Molecular consequence: frameshift variant.
Genome position (GRCh38, 1-based): chr3:78,639,852, C deleted on the plus strand (G on the coding strand, the reverse complement: ROBO1 is on the minus strand); the first of 2 consecutive C bases (chr3:78,639,852-78,639,853); deleting either gives the same sequence. VCF-style (leftmost placement, unchanged base first): chr3-78639851-GC-G. GRCh37 (hg19) VCF-style: chr3-78689001-GC-G.
Other names: c.2794del, p.Ala932fs (NM_001145845.2, NM_133631.4); c.2928_2928delG (NM_002941.4); short protein forms A932fs, A977fs.
Identifiers: ClinVar variation 978576 (VCV000978576.2), dbSNP rs1705825067, ClinGen allele CA1139658188.
Genomic context (GRCh38, chr3:78,639,851, plus strand): 5'-GCCGTGCAGCAGCTGATGGAGCAGTCATTGTGGTTGTTGCCAGTATTAGGCCACGTGTCT[GC>G]CAGCCATGGCTGCGCGGCAGGTTCACTGATGTTGAGAAGTCCAGGCCTAAATAAAAAAAA-3'

ClinVar aggregate classification (germline): Pathogenic/Likely pathogenic. Review status: criteria provided, multiple submitters, no conflicts (2 of 4 stars). 2 submissions from 2 submitters: Pathogenic (1); Likely pathogenic (1). Last evaluated 2021-01-09.

Conditions:
Pituitary stalk interruption syndrome. Identifiers: Orphanet 95496, MedGen C4053775, MONDO:0019828.

Submissions (2):

Institute of Human Genetics, University of Leipzig Medical Center
Classification: Likely pathogenic for Pituitary stalk interruption syndrome. Last evaluated: 2021-01-09. Review status: criteria provided, single submitter. Criteria: ACMG Guidelines, 2015. Collection method: curation. Allele origin: germline. Inheritance: Autosomal dominant inheritance. Affected: yes.
Comment: Inheritance was reported as dominant (heterozygous) (paternal). The variant was reviewed according to current ACMG recommendations and classified as Likely Pathogenic (criteria: PVS1_VeryStrong, PM2_Supporting) at the variant level; the gene-disease association is currently not established in curated databases.

Human Developmental Genetics, Institut Pasteur
Classification: Pathogenic for Pituitary stalk interruption syndrome. Last evaluated: 2020-04-01. Review status: criteria provided, single submitter. Criteria: ACMG Guidelines, 2015. Collection method: research. Allele origin: unknown. Affected: yes.

Literature cited by the submitters: PubMed 28402530 (cited by Institute of Human Genetics, University of Leipzig Medical Center and Human Developmental Genetics, Institut Pasteur).